The following is an entry in ClinVar:

NM_001376.5(DYNC1H1):c.1018C>T (p.Pro340Ser)

Gene: DYNC1H1 (dynein cytoplasmic 1 heavy chain 1; plus strand). Cytogenetic location: 14q32.31.
Variant type: single nucleotide variant.
Coding change: c.1018C>T on transcript NM_001376.5 (MANE Select); coding-DNA position 1018, C replaced by T.
Protein change: p.Pro340Ser; replaces proline 340 with serine.
Molecular consequence: missense variant.
Genome position (GRCh38, 1-based): chr14:101,983,075, C>T. VCF-style: chr14-101983075-C-T. GRCh37 (hg19) VCF-style: chr14-102449412-C-T.
Other names: short protein forms P340S.
Identifiers: ClinVar variation 2577763 (VCV002577763.1), dbSNP rs752337814, ClinGen allele CA7351628.

ClinVar aggregate classification (germline): Uncertain significance (1 of 4 stars; one submission).

Allele frequency attached by ClinVar (database versions not stated): ExAC 0.00001.
gnomAD v4.1: 1 of 1,614,122 alleles (0.000062%); no homozygotes.

Submission:

GeneDx
Classification: Uncertain significance. Last evaluated: 2023-02-24. Review status: criteria provided, single submitter. Criteria: GeneDx Variant Classification Process June 2021. Collection method: clinical testing. Allele origin: germline. Affected: yes.
Comment: In silico analysis supports that this missense variant has a deleterious effect on protein structure/function; Has not been previously published as pathogenic or benign to our knowledge